The following is an entry in ClinVar:

NM_001388492.1(HTT):c.2099-21_2099-13del

Gene: HTT (huntingtin; plus strand). Cytogenetic location: 4p16.3.
Variant type: Deletion.
Coding change: c.2099-21_2099-13del on transcript NM_001388492.1 (MANE Select); 21 bases into the intron before coding-DNA position 2099 through 13 bases into the intron before coding-DNA position 2099, 9 bases deleted (GCTTGGGTG; older notation c.2099-21_2099-13delGCTTGGGTG).
Molecular consequence: intron variant.
Genome position (GRCh38, 1-based): chr4:3,131,617-3,131,625, GCTTGGGTG deleted; deleting any 9 consecutive bases within chr4:3,131,613-3,131,625 gives the same sequence; the c. name uses the placement nearest the transcript's 3' end. VCF-style (leftmost placement, unchanged base first): chr4-3131612-AGGTGGCTTG-A. GRCh37 (hg19) VCF-style: chr4-3133339-AGGTGGCTTG-A.
Other names: c.2099-21_2099-13del (NM_002111.8).
Identifiers: ClinVar variation 1377934 (VCV001377934.8), dbSNP rs2110188822, ClinGen allele CA2573137548.

ClinVar aggregate classification (germline): Uncertain significance (1 of 4 stars; one submission).

Submission:

Labcorp Genetics (formerly Invitae), Labcorp
Classification: Uncertain significance. Last evaluated: 2022-10-24. Review status: criteria provided, single submitter. Criteria: Invitae Variant Classification Sherloc (09022015). Collection method: clinical testing. Allele origin: germline.
Comment: This variant has not been reported in the literature in individuals affected with HTT-related conditions. This variant is not present in population databases (gnomAD no frequency). This sequence change falls in intron 15 of the HTT gene. It does not directly change the encoded amino acid sequence of the HTT protein. Algorithms developed to predict the effect of sequence changes on RNA splicing suggest that this variant may create or strengthen a splice site. In summary, the available evidence is currently insufficient to determine the role of this variant in disease. Therefore, it has been classified as a Variant of Uncertain Significance.